The following is an entry in ClinVar:

ClinVar aggregate classification (germline): Likely pathogenic (1 of 4 stars; one submission).

Conditions:
Polycystic kidney disease 4 (PKD4). Also called: POLYCYSTIC KIDNEY AND HEPATIC DISEASE 1; POLYCYSTIC KIDNEY DISEASE, INFANTILE, TYPE I; POLYCYSTIC KIDNEY DISEASE 4 WITH OR WITHOUT POLYCYSTIC LIVER DISEASE; PKD3; Autosomal Recessive Polycystic Kidney Disease – PKHD1. Identifiers: MedGen C4540575, MONDO:0033004, OMIM 263200.

Submission:

Myriad Genetics, Inc.
Classification: Likely pathogenic for Polycystic kidney disease 4. Last evaluated: 2022-05-29. Review status: criteria provided, single submitter. Criteria: Myriad Women's Health Autosomal Recessive and X-Linked Classification Criteria (2021). Collection method: clinical testing. Allele origin: unknown.
Comment: NM_138694.3(PKHD1):c.3165C>G(Y1055*) is expected to be pathogenic in the context of autosomal recessive polycystic kidney disease, PKHD1-related. This variant is predicted to lead to an abnormal or absent protein product due to the creation of a premature termination codon in PKHD1, a gene where loss-of-function variants are known to be pathogenic. Please note: this variant was assessed in the context of healthy population screening.

NM_138694.4(PKHD1):c.3165C>G (p.Tyr1055Ter)

Gene: PKHD1 (PKHD1 ciliary IPT domain containing fibrocystin/polyductin; minus strand). Cytogenetic location: 6p12.2.
Variant type: single nucleotide variant.
Coding change: c.3165C>G on transcript NM_138694.4 (MANE Select); coding-DNA position 3165, C replaced by G.
Protein change: p.Tyr1055Ter; replaces tyrosine 1055 with a stop codon.
Molecular consequence: nonsense.
Genome position (GRCh38, 1-based): chr6:52,035,654, G>C on the plus strand (C>G on the coding strand, the complement: PKHD1 is on the minus strand). VCF-style: chr6-52035654-G-C. GRCh37 (hg19) VCF-style: chr6-51900452-G-C.
Other names: c.3165C>G, p.Tyr1055Ter (NM_170724.3); short protein forms Y1055*.
Identifiers: ClinVar variation 1726235 (VCV001726235.2), dbSNP rs976420096, ClinGen allele CA364441755.